The following is an entry in ClinVar:

NM_017780.4(CHD7):c.5399A>G (p.Lys1800Arg)

Gene: CHD7 (chromodomain helicase DNA binding protein 7; plus strand). Cytogenetic location: 8q12.2.
Variant type: single nucleotide variant.
Coding change: c.5399A>G on transcript NM_017780.4 (MANE Select); coding-DNA position 5399, A replaced by G.
Protein change: p.Lys1800Arg; replaces lysine 1800 with arginine.
Molecular consequence: missense variant. On other transcripts: intron variant (1).
Genome position (GRCh38, 1-based): chr8:60,849,149, A>G. VCF-style: chr8-60849149-A-G. GRCh37 (hg19) VCF-style: chr8-61761708-A-G.
Other names: c.1717-13080A>G (NM_001316690.1); short protein forms K1800R.
Identifiers: ClinVar variation 856119 (VCV000856119.14), dbSNP rs1481262806, ClinGen allele CA371321332.
Genomic context (GRCh38, chr8:60,849,149, plus strand): 5'-AAGTTCCTGCAGATTGGTGGGATAAGGAAGCAGACAAATCCCTCTTAATTGGAGTGTTCA[A>G]ACATGGTAAGTGACGTTTCTGTTTGAATACATCTCAACTGTATGGCTTGGTCTTTATTTA-3'
Protein context (NP_060250.2, residues 1790-1810): ADKSLLIGVF[Lys1800Arg]HGYEKYNSMR

ClinVar aggregate classification (germline): Conflicting classifications of pathogenicity. Review status: criteria provided, conflicting classifications (1 of 4 stars). 3 submissions from 3 submitters: Uncertain significance (2); Likely benign (1). Last evaluated 2025-10-23.

Conditions:
Hypogonadotropic hypogonadism 5 with or without anosmia (KAL5). Also called: HYPOGONADOTROPIC HYPOGONADISM 5 WITH ANOSMIA; HYPOGONADOTROPHIC HYPOGONADISM 5 WITHOUT ANOSMIA; CHD7-Related GnRH Deficiency (Kallmann Syndrome 5). Identifiers: Orphanet 478, MedGen C3552553, MONDO:0012880, OMIM 612370. Disease mechanism: loss of function.
CHARGE syndrome (CHARGE). Also called: CHARGE ASSOCIATION--COLOBOMA, HEART ANOMALY, CHOANAL ATRESIA, RETARDATION, GENITAL AND EAR ANOMALIES; Coloboma, heart anomaly, choanal atresia, retardation, genital and ear anomalies; CHARGE association; Hall-Hittner syndrome; Hittner Hirsch Kreh syndrome. Identifiers: Orphanet 138, MedGen C0265354, MONDO:0008965.

Allele frequency attached by ClinVar (database versions not stated): gnomAD exomes 0.00001 and 0.00004; TOPMed 0.00001.
gnomAD v4.1: 11 of 1,606,294 alleles (0.00068%); highest among the groups gnomAD compares: Admixed American, 0.018%; no homozygotes.

Submissions (3):

Labcorp Genetics (formerly Invitae), Labcorp
Classification: Likely benign for CHARGE syndrome. Last evaluated: 2025-10-23. Review status: criteria provided, single submitter. Criteria: Invitae Variant Classification Sherloc (09022015). Collection method: clinical testing. Allele origin: germline.

GeneDx
Classification: Uncertain significance. Last evaluated: 2025-08-21. Review status: criteria provided, single submitter. Criteria: GeneDx Variant Classification Process June 2021. Collection method: clinical testing. Allele origin: germline. Affected: yes.
Comment: In silico analysis supports that this missense variant has a deleterious effect on protein structure/function; Has not been previously published as pathogenic or benign to our knowledge

Fulgent Genetics
Classification: Uncertain significance for CHD7-related CHARGE syndrome; Hypogonadotropic hypogonadism 5 with or without anosmia. Last evaluated: 2022-05-23. Review status: criteria provided, single submitter. Criteria: ACMG Guidelines, 2015. Collection method: clinical testing. Allele origin: unknown.